The following is an entry in ClinVar:

NM_006031.6(PCNT):c.5613C>T (p.Ala1871=)

Gene: PCNT (pericentrin; plus strand). Cytogenetic location: 21q22.3.
Variant type: single nucleotide variant.
Coding change: c.5613C>T on transcript NM_006031.6 (MANE Select); coding-DNA position 5613, C replaced by T.
Protein change: p.Ala1871=; no amino-acid change (alanine 1871 retained).
Molecular consequence: synonymous variant.
Genome position (GRCh38, 1-based): chr21:46,411,686, C>T. VCF-style: chr21-46411686-C-T. GRCh37 (hg19) VCF-style: chr21-47831600-C-T.
Other names: c.5613C>T (NM_006031.5); c.5259C>T, p.Ala1753= (NM_001315529.2).
Identifiers: ClinVar variation 1633059 (VCV001633059.33), dbSNP rs764625701, ClinGen allele CA10080039.

ClinVar aggregate classification (germline): Likely benign. Review status: criteria provided, multiple submitters, no conflicts (2 of 4 stars). 3 submissions from 3 submitters: Likely benign (2). 1 of the submissions does not count toward it. Last evaluated 2024-03-16.

Conditions:
PCNT-related disorder. Also called: PCNT-related condition.

Allele frequency attached by ClinVar (database versions not stated): gnomAD 0.00001; TOPMed 0.00001; gnomAD exomes 0.00003; ExAC 0.00004.
gnomAD v4.1: 19 of 1,612,808 alleles (0.0012%); highest among the groups gnomAD compares: Admixed American, 0.005%; no homozygotes.

Submissions (3):

Labcorp Genetics (formerly Invitae), Labcorp
Classification: Likely benign. Last evaluated: 2024-03-16. Review status: criteria provided, single submitter. Criteria: Invitae Variant Classification Sherloc (09022015). Collection method: clinical testing. Allele origin: germline.

CeGaT Center for Human Genetics Tuebingen
Classification: Likely benign. Last evaluated: 2022-08-01. Review status: criteria provided, single submitter. Criteria: CeGaT Center For Human Genetics Tuebingen Variant Classification Criteria Version 2. Collection method: clinical testing. Allele origin: germline. Affected: yes. Observed: 1 variant allele.
Comment: PCNT: BP4, BP7

PreventionGenetics, part of Exact Sciences
Classification: Likely benign for PCNT-related condition. Last evaluated: 2023-06-13. Review status: no assertion criteria provided. Collection method: clinical testing. Allele origin: germline. Not counted in ClinVar's aggregate classification.
Comment: This variant is classified as likely benign based on ACMG/AMP sequence variant interpretation guidelines (Richards et al. 2015 PMID: 25741868, with internal and published modifications).